The following is an entry in ClinVar:

ClinVar aggregate classification (germline): Likely pathogenic (1 of 4 stars; one submission).

Conditions:
Neurofibromatosis, type 1 (NF1). Also called: VON RECKLINGHAUSEN DISEASE; NEUROFIBROMATOSIS, TYPE I, SOMATIC; Peripheral type neurofibromatosis; Neurofibromatosis, type I. Identifiers: Orphanet 636, MedGen C0027831, MONDO:0018975, OMIM 162200. Disease mechanism: loss of function.

Submission:

Labcorp Genetics (formerly Invitae), Labcorp
Classification: Likely pathogenic for Neurofibromatosis, type 1. Last evaluated: 2024-12-20. Review status: criteria provided, single submitter. Criteria: Invitae Variant Classification Sherloc (09022015). Collection method: clinical testing. Allele origin: germline.
Comment: This sequence change replaces isoleucine, which is neutral and non-polar, with serine, which is neutral and polar, at codon 581 of the NF1 protein (p.Ile581Ser). This variant is not present in population databases (gnomAD no frequency). This missense change has been observed in individual(s) with neurofibromatosis type 1 (PMID: 16835897). Invitae Evidence Modeling of protein sequence and biophysical properties (such as structural, functional, and spatial information, amino acid conservation, physicochemical variation, residue mobility, and thermodynamic stability) indicates that this missense variant is expected to disrupt NF1 protein function with a positive predictive value of 95%. Algorithms developed to predict the effect of sequence changes on RNA splicing suggest that this variant may disrupt the consensus splice site. In summary, the currently available evidence indicates that the variant is pathogenic, but additional data are needed to prove that conclusively. Therefore, this variant has been classified as Likely Pathogenic.

Literature cited by the submitters: PubMed 16835897.

NM_001042492.3(NF1):c.1742T>G (p.Ile581Ser)

Gene: NF1 (neurofibromin 1; plus strand). Cytogenetic location: 17q11.2.
Variant type: single nucleotide variant.
Coding change: c.1742T>G on transcript NM_001042492.3 (MANE Select); coding-DNA position 1742, T replaced by G.
Protein change: p.Ile581Ser; replaces isoleucine 581 with serine.
Molecular consequence: missense variant.
Genome position (GRCh38, 1-based): chr17:31,223,464, T>G. VCF-style: chr17-31223464-T-G. GRCh37 (hg19) VCF-style: chr17-29550482-T-G.
Other names: c.1742T>G, p.Ile581Ser (NM_000267.4); short protein forms I581S.
Identifiers: ClinVar variation 3722602 (VCV003722602.2).